The following is an entry in ClinVar:

NM_005359.6(SMAD4):c.1458T>A (p.Ala486=)

Gene: SMAD4 (SMAD family member 4; plus strand). Cytogenetic location: 18q21.2.
Variant type: single nucleotide variant.
Coding change: c.1458T>A on transcript NM_005359.6 (MANE Select); coding-DNA position 1458, T replaced by A.
Protein change: p.Ala486=; no amino-acid change (alanine 486 retained).
Molecular consequence: synonymous variant. On other transcripts: non-coding transcript variant (1).
Genome position (GRCh38, 1-based): chr18:51,078,266, T>A. VCF-style: chr18-51078266-T-A. GRCh37 (hg19) VCF-style: chr18-48604636-T-A.
Other names: c.1458T>A, p.Ala486= (NM_001407041.1, NM_001407042.1).
Identifiers: ClinVar variation 3903913 (VCV003903913.1).

ClinVar aggregate classification (germline): Benign (1 of 4 stars; one submission).

Conditions:
Juvenile polyposis/hereditary hemorrhagic telangiectasia syndrome (JPHT). Also called: JP/HHT SYNDROME; JUVENILE POLYPOSIS WITH HEREDITARY HEMORRHAGIC TELANGIECTASIA; POLYPOSIS, GENERALIZED JUVENILE, WITH PULMONARY ARTERIOVENOUS MALFORMATION; TELANGIECTASIA, HEREDITARY HEMORRHAGIC, WITH JUVENILE POLYPOSIS COLI; Juvenile Polyposis Syndrome / Hereditary Hemorrhagic Telangiectasia (JPS/HHT). Identifiers: Orphanet 2929, MedGen C1832942, MONDO:0008278, OMIM 175050.

Submission:

Myriad Genetics, Inc.
Classification: Benign for Juvenile polyposis/hereditary hemorrhagic telangiectasia syndrome. Last evaluated: 2025-03-24. Review status: criteria provided, single submitter. Criteria: Myriad Autosomal Dominant, Autosomal Recessive and X-Linked Classification Criteria (2023). Collection method: clinical testing. Allele origin: unknown.
Comment: This variant is considered benign. This variant is a silent/synonymous amino acid change and it is not expected to impact splicing.